The following is an entry in ClinVar:

ClinVar aggregate classification (germline): Uncertain significance. Review status: criteria provided, single submitter (1 of 4 stars). 4 submissions from 4 submitters: Uncertain significance (1). 3 of the submissions do not count toward it. Last evaluated 2025-09-10.

Conditions:
Dyskeratosis congenita. Identifiers: Orphanet 1775, MedGen C0265965, MONDO:0015780.
Pulmonary fibrosis and/or bone marrow failure, Telomere-related, 3. Also called: PULMONARY FIBROSIS AND/OR BONE MARROW FAILURE SYNDROME, TELOMERE-RELATED, 3. Identifiers: Orphanet 2032, MedGen C4225346, MONDO:0014613, OMIM 616373.
Dyskeratosis congenita, autosomal recessive 5 (DKCB5). Identifiers: MedGen C3554656, MONDO:0014076, OMIM 615190.

Allele frequency attached by ClinVar (database versions not stated): gnomAD exomes below 0.00001; TOPMed 0.00003; gnomAD 0.00005 and 0.00006; ESP Exome Variant Server 0.00008.
gnomAD v4.1: 24 of 1,612,530 alleles (0.0015%); highest among the groups gnomAD compares: Middle Eastern, 0.016%; no homozygotes.

Submissions (4):

Labcorp Genetics (formerly Invitae), Labcorp
Classification: Uncertain significance for Dyskeratosis congenita, autosomal recessive 5; Pulmonary fibrosis and/or bone marrow failure, Telomere-related, 3. Last evaluated: 2025-09-10. Review status: criteria provided, single submitter. Criteria: Invitae Variant Classification Sherloc (09022015). Collection method: clinical testing. Allele origin: germline.
Comment: This sequence change replaces valine, which is neutral and non-polar, with methionine, which is neutral and non-polar, at codon 903 of the RTEL1 protein (p.Val903Met). This variant is present in population databases (rs143317975, gnomAD 0.002%). This missense change has been observed in individual(s) with RTEL1-related conditions (PMID: 37216690). ClinVar contains an entry for this variant (Variation ID: 646165). An algorithm developed to predict the effect of missense changes on protein structure and function (PolyPhen-2) suggests that this variant is likely to be disruptive. In summary, the available evidence is currently insufficient to determine the role of this variant in disease. Therefore, it has been classified as a Variant of Uncertain Significance.

Natera, Inc.
Classification: Uncertain significance for Dyskeratosis congenita. Last evaluated: 2020-09-16. Review status: no assertion criteria provided. Collection method: clinical testing. Allele origin: germline. Not counted in ClinVar's aggregate classification.

Clinical Genetics DNA and cytogenetics Diagnostics Lab, Erasmus MC, Erasmus Medical Center
Classification: Uncertain significance. Review status: no assertion criteria provided. Collection method: clinical testing. Allele origin: germline. Affected: yes. Study: VKGL Data-share Consensus. Not counted in ClinVar's aggregate classification.

Joint Genome Diagnostic Labs from Nijmegen and Maastricht, Radboudumc and MUMC+
Classification: Uncertain significance. Review status: no assertion criteria provided. Collection method: clinical testing. Allele origin: germline. Affected: yes. Study: VKGL Data-share Consensus. Not counted in ClinVar's aggregate classification.

Literature cited by the submitters: PubMed 37216690 (cited by Labcorp Genetics (formerly Invitae), Labcorp).

NM_001283009.2(RTEL1):c.2707G>A (p.Val903Met)

Genes: RTEL1-TNFRSF6B (RTEL1-TNFRSF6B readthrough (NMD candidate); plus strand), RTEL1 (regulator of telomere elongation helicase 1; plus strand). Cytogenetic location: 20q13.33.
Variant type: single nucleotide variant.
Coding change: c.2707G>A on transcript NM_001283009.2 (MANE Select); coding-DNA position 2707, G replaced by A.
Protein change: p.Val903Met; replaces valine 903 with methionine.
Molecular consequence: missense variant. On other transcripts: non-coding transcript variant (1).
Genome position (GRCh38, 1-based): chr20:63,692,859, G>A. VCF-style: chr20-63692859-G-A. GRCh37 (hg19) VCF-style: chr20-62324212-G-A.
Other names: c.2038G>A, p.Val680Met (NM_001283010.1); c.2707G>A, p.Val903Met (NM_016434.4); c.2779G>A, p.Val927Met (NM_032957.5); short protein forms V680M, V927M, V903M.
Identifiers: ClinVar variation 646165 (VCV000646165.12), dbSNP rs143317975, ClinGen allele CA317520462.
Genomic context (GRCh38, chr20:63,692,859, plus strand): 5'-CTGCAGGAGGAGCCCGTGGCTGGTGCACAGACGGACAGGGCCAAGCTCTTCATGGTGGCC[G>A]TGAAGCAGGAGTTGAGCCAAGCCAACTTTGCCACCTTCACCCAGGCCCTGCAGGACTACA-3'
Protein context (NP_001269938.1, residues 893-913): TDRAKLFMVA[Val903Met]KQELSQANFA